The following is an entry in ClinVar:

ClinVar aggregate classification (germline): Uncertain significance (1 of 4 stars; one submission).

Conditions:
Long QT syndrome (LQTS). Identifiers: MedGen C0023976, MeSH D008133, MONDO:0002442. Disease mechanism: loss of function. Inheritance: Various modes of inheritance.

Submission:

Labcorp Genetics (formerly Invitae), Labcorp
Classification: Uncertain significance for Long QT syndrome. Last evaluated: 2021-04-21. Review status: criteria provided, single submitter. Criteria: Invitae Variant Classification Sherloc (09022015). Collection method: clinical testing. Allele origin: germline.
Comment: This sequence change replaces isoleucine with asparagine at codon 200 of the KCNQ1 protein (p.Ile200Asn). The isoleucine residue is moderately conserved and there is a large physicochemical difference between isoleucine and asparagine. This variant is not present in population databases (ExAC no frequency). This variant has been observed in individual(s) with clinical features of long QT syndrome (PMID: 28212739, Invitae). Algorithms developed to predict the effect of missense changes on protein structure and function (SIFT, PolyPhen-2, Align-GVGD) all suggest that this variant is likely to be disruptive, but these predictions have not been confirmed by published functional studies and their clinical significance is uncertain. In summary, the available evidence is currently insufficient to determine the role of this variant in disease. Therefore, it has been classified as a Variant of Uncertain Significance.

Literature cited by the submitters: PubMed 28212739.

NM_000218.3(KCNQ1):c.599T>A (p.Ile200Asn)

Gene: KCNQ1 (potassium voltage-gated channel subfamily Q member 1; plus strand). Cytogenetic location: 11p15.5.
Variant type: single nucleotide variant.
Coding change: c.599T>A on transcript NM_000218.3 (MANE Select); coding-DNA position 599, T replaced by A.
Protein change: p.Ile200Asn; replaces isoleucine 200 with asparagine.
Molecular consequence: missense variant.
Genome position (GRCh38, 1-based): chr11:2,570,749, T>A. VCF-style: chr11-2570749-T-A. GRCh37 (hg19) VCF-style: chr11-2591979-T-A.
Other names: c.599T>A, p.Ile200Asn (NM_001406836.1); c.329T>A, p.Ile110Asn (NM_001406837.1); c.218T>A, p.Ile73Asn (NM_181798.2); short protein forms I200N, I73N, I110N.
Identifiers: ClinVar variation 1506426 (VCV001506426.9), dbSNP rs2133727600, ClinGen allele CA379130113.